The following is an entry in ClinVar:

ClinVar aggregate classification (germline): Uncertain significance (1 of 4 stars; one submission).

gnomAD v4.1: 1 of 1,614,236 alleles (0.000062%); highest among the groups gnomAD compares: Admixed American, 0.0017%; no homozygotes.

Submission:

Dasa
Classification: Uncertain significance. Last evaluated: 2026-03-27. Review status: criteria provided, single submitter. Criteria: DASA Assertion Criteria. Collection method: clinical testing. Allele origin: germline.
Comment: NM_001199138.2(NLRC4):c.2027A>G (p.Asp676Gly) is a missense variant that results in the substitution of aspartic acid with glycine. This variant is rare in population databases. The currently available literature and clinical evidence are not sufficient to establish a definitive association between this variant and the reported condition. Therefore, this variant is classified as a variant of uncertain significance.

NM_001199138.2(NLRC4):c.2027A>G (p.Asp676Gly)

Gene: NLRC4 (NLR family CARD domain containing 4; minus strand). Cytogenetic location: 2p22.3.
Variant type: single nucleotide variant.
Coding change: c.2027A>G on transcript NM_001199138.2 (MANE Select); coding-DNA position 2027, A replaced by G.
Protein change: p.Asp676Gly; replaces aspartic acid 676 with glycine.
Molecular consequence: missense variant. On other transcripts: intron variant (1).
Genome position (GRCh38, 1-based): chr2:32,249,837, T>C on the plus strand (A>G on the coding strand, the complement: NLRC4 is on the minus strand). VCF-style: chr2-32249837-T-C. GRCh37 (hg19) VCF-style: chr2-32474906-T-C.
Other names: c.2027A>G, p.Asp676Gly (NM_001199139.2, NM_021209.5); c.262+2582A>G (NM_001302504.1); short protein forms D676G.
Identifiers: ClinVar variation 4885372 (VCV004885372.2).